The following is an entry in ClinVar:

NM_001378454.1(ALMS1):c.5971T>G (p.Ser1991Ala)

Gene: ALMS1 (ALMS1 centrosome and basal body associated protein; plus strand). Cytogenetic location: 2p13.1.
Variant type: single nucleotide variant.
Coding change: c.5971T>G on transcript NM_001378454.1 (MANE Select); coding-DNA position 5971, T replaced by G.
Protein change: p.Ser1991Ala; replaces serine 1991 with alanine.
Molecular consequence: missense variant.
Genome position (GRCh38, 1-based): chr2:73,452,498, T>G. VCF-style: chr2-73452498-T-G. GRCh37 (hg19) VCF-style: chr2-73679625-T-G.
Other names: c.5974T>G, p.Ser1992Ala (NM_015120.4); short protein forms S1992A, S1991A.
Identifiers: ClinVar variation 1465701 (VCV001465701.4), dbSNP rs777227174, ClinGen allele CA1713972.

ClinVar aggregate classification (germline): Uncertain significance. Review status: criteria provided, single submitter (1 of 4 stars). 2 submissions from 2 submitters: Uncertain significance (1). 1 of the submissions does not count toward it. Last evaluated 2022-07-22.

Conditions:
Alstrom syndrome (ALMS). Identifiers: Orphanet 64, MedGen C0268425, MONDO:0008763, OMIM 203800.
Retinal dystrophy. Also called: Inherited retinal dystrophy. Identifiers: Orphanet 71862, MedGen C0854723, MeSH D058499, MONDO:0019118, HP:0000556.

Allele frequency attached by ClinVar (database versions not stated): ExAC 0.00001; gnomAD exomes 0.00001 and 0.00002; TOPMed 0.00001.
gnomAD v4.1: 11 of 1,613,994 alleles (0.00068%); highest among the groups gnomAD compares: Middle Eastern, 0.049%; no homozygotes.

Submissions (2):

Labcorp Genetics (formerly Invitae), Labcorp
Classification: Uncertain significance for Alstrom syndrome. Last evaluated: 2022-07-22. Review status: criteria provided, single submitter. Criteria: Invitae Variant Classification Sherloc (09022015). Collection method: clinical testing. Allele origin: germline.
Comment: This sequence change replaces serine, which is neutral and polar, with alanine, which is neutral and non-polar, at codon 1992 of the ALMS1 protein (p.Ser1992Ala). This variant is present in population databases (rs777227174, gnomAD 0.009%). This variant has not been reported in the literature in individuals affected with ALMS1-related conditions. ClinVar contains an entry for this variant (Variation ID: 1465701). Experimental studies and prediction algorithms are not available or were not evaluated, and the functional significance of this variant is currently unknown. In summary, the available evidence is currently insufficient to determine the role of this variant in disease. Therefore, it has been classified as a Variant of Uncertain Significance.

Institute of Human Genetics, Univ. Regensburg, Univ. Regensburg
Classification: Uncertain significance for Retinal dystrophy. Last evaluated: 2022-01-01. Review status: no assertion criteria provided. Criteria: ACMG Guidelines, 2015. Collection method: clinical testing. Allele origin: germline. Affected: yes. Not counted in ClinVar's aggregate classification.